The following is an entry in ClinVar:

ClinVar aggregate classification (germline): Uncertain significance (1 of 4 stars; one submission).

Conditions:
Brown-Vialetto-van Laere syndrome 1. Also called: BROWN-VIALETTO-VAN LAERE SYNDROME 1, MILD; BULBAR PALSY, PROGRESSIVE, WITH SENSORINEURAL DEAFNESS; PONTOBULBAR PALSY WITH DEAFNESS. Identifiers: Orphanet 572550, Orphanet 97229, MedGen C0796274, MONDO:0024537, OMIM 211530.

Allele frequency attached by ClinVar (database versions not stated): TOPMed 0.00001; ExAC 0.00002.
gnomAD v4.1: 16 of 1,612,402 alleles (0.00099%); highest among the groups gnomAD compares: Admixed American, 0.0033%; no homozygotes.

Submission:

Labcorp Genetics (formerly Invitae), Labcorp
Classification: Uncertain significance for Brown-Vialetto-van Laere syndrome 1. Last evaluated: 2024-08-22. Review status: criteria provided, single submitter. Criteria: Invitae Variant Classification Sherloc (09022015). Collection method: clinical testing. Allele origin: germline.
Comment: This sequence change replaces glycine, which is neutral and non-polar, with arginine, which is basic and polar, at codon 13 of the SLC52A3 protein (p.Gly13Arg). This variant is present in population databases (rs146302587, gnomAD 0.002%). This missense change has been observed in individual(s) with clinical features of Brown-Vialetto-Van Laere syndrome (PMID: 29053833, 33189404). ClinVar contains an entry for this variant (Variation ID: 838277). Invitae Evidence Modeling of protein sequence and biophysical properties (such as structural, functional, and spatial information, amino acid conservation, physicochemical variation, residue mobility, and thermodynamic stability) indicates that this missense variant is expected to disrupt SLC52A3 protein function with a positive predictive value of 80%. In summary, the available evidence is currently insufficient to determine the role of this variant in disease. Therefore, it has been classified as a Variant of Uncertain Significance.

Literature cited by the submitters: PubMed 29053833; PubMed 33189404.

NM_033409.4(SLC52A3):c.37G>A (p.Gly13Arg)

Gene: SLC52A3 (solute carrier family 52 member 3; minus strand). Cytogenetic location: 20p13.
Variant type: single nucleotide variant.
Coding change: c.37G>A on transcript NM_033409.4 (MANE Select); coding-DNA position 37, G replaced by A.
Protein change: p.Gly13Arg; replaces glycine 13 with arginine.
Molecular consequence: missense variant.
Genome position (GRCh38, 1-based): chr20:765,738, C>T on the plus strand (G>A on the coding strand, the complement: SLC52A3 is on the minus strand). VCF-style: chr20-765738-C-T. GRCh37 (hg19) VCF-style: chr20-746382-C-T.
Other names: c.37G>A, p.Gly13Arg (NM_001370085.1, NM_001370086.1); short protein forms G13R.
Identifiers: ClinVar variation 838277 (VCV000838277.9), dbSNP rs146302587, ClinGen allele CA9724838.
Genomic context (GRCh38, chr20:765,738, plus strand): 5'-CCATCACCAGCAGGGGCAGCTCTACCCAGAGCCCATTGATGGTCACCCAGGAGCCCATTC[C>T]GAAGACGCAGACCAGCAGGTGCATCAGGAAGGCCATGGCGGTATCTGCCCTGGGCCAGAG-3'
Protein context (NP_212134.3, residues 3-23): FLMHLLVCVF[Gly13Arg]MGSWVTINGL